The following is an entry in ClinVar:

ClinVar aggregate classification (germline): Pathogenic/Likely pathogenic. Review status: criteria provided, multiple submitters, no conflicts (2 of 4 stars). 2 submissions from 2 submitters: Pathogenic (1); Likely pathogenic (1). Last evaluated 2024-02-23.

Conditions:
Early-infantile DEE. Also called: Early infantile epileptic encephalopathy with suppression bursts; Early infantile epileptic encephalopathy; Ohtahara syndrome. Identifiers: Orphanet 1934, MedGen C0393706, MONDO:0800491.
Inborn genetic diseases. Identifiers: MedGen C0950123, MeSH D030342.

Submissions (2):

Labcorp Genetics (formerly Invitae), Labcorp
Classification: Pathogenic for Early-infantile DEE. Last evaluated: 2024-02-23. Review status: criteria provided, single submitter. Criteria: Invitae Variant Classification Sherloc (09022015). Collection method: clinical testing. Allele origin: germline.
Comment: This sequence change replaces leucine, which is neutral and non-polar, with proline, which is neutral and non-polar, at codon 77 of the SCN1A protein (p.Leu77Pro). This variant is not present in population databases (gnomAD no frequency). This missense change has been observed in individual(s) with SCN1A-related conditions (PMID: 29852413). In at least one individual the variant was observed to be de novo. ClinVar contains an entry for this variant (Variation ID: 1369705). Advanced modeling of protein sequence and biophysical properties (such as structural, functional, and spatial information, amino acid conservation, physicochemical variation, residue mobility, and thermodynamic stability) performed at Invitae indicates that this missense variant is expected to disrupt SCN1A protein function with a positive predictive value of 95%. For these reasons, this variant has been classified as Pathogenic.

Ambry Genetics
Classification: Likely pathogenic for Inborn genetic diseases. Last evaluated: 2017-11-14. Review status: criteria provided, single submitter. Criteria: Ambry Variant Classification Scheme 2023. Collection method: clinical testing. Allele origin: germline.
Comment: The p.L77P variant (also known as c.230T>C), located in coding exon 1 of the SCN1A gene, results from a T to C substitution at nucleotide position 230. The leucine at codon 77 is replaced by proline, an amino acid with similar properties. This amino acid position is highly conserved in available vertebrate species. In addition, this variant lies on the intracellular surface of SCN1A and is more disruptive to protein structure than a characterized nearby pathogenic variant (Yan Z et al. Cell, 2017 Jul;170:470-482.e11; Ambry internal data). Based on the majority of available evidence to date, this variant is likely to be pathogenic.

Literature cited by the submitters: PubMed 29852413 (cited by Labcorp Genetics (formerly Invitae), Labcorp); PubMed 28735751 (cited by Ambry Genetics).

NM_001165963.4(SCN1A):c.230T>C (p.Leu77Pro)

Gene: SCN1A (sodium voltage-gated channel alpha subunit 1; minus strand). Cytogenetic location: 2q24.3.
Variant type: single nucleotide variant.
Coding change: c.230T>C on transcript NM_001165963.4 (MANE Select); coding-DNA position 230, T replaced by C.
Protein change: p.Leu77Pro; replaces leucine 77 with proline.
Molecular consequence: missense variant. On other transcripts: 5 prime UTR variant (1), non-coding transcript variant (1).
Genome position (GRCh38, 1-based): chr2:166,073,392, A>G on the plus strand (T>C on the coding strand, the complement: SCN1A is on the minus strand). VCF-style: chr2-166073392-A-G. GRCh37 (hg19) VCF-style: chr2-166929902-A-G.
Other names: c.230T>C, p.Leu77Pro (NM_001165964.3, NM_001202435.3, NM_001353948.2 and 10 more transcripts); c.-2196T>C (NM_001353961.2); short protein forms L77P.
Identifiers: ClinVar variation 1369705 (VCV001369705.11), dbSNP rs2105982276, ClinGen allele CA349242727.